The following is an entry in ClinVar:

NM_205836.3(FBXO38):c.1759G>A (p.Val587Ile)

Gene: FBXO38 (F-box protein 38; plus strand). Cytogenetic location: 5q32.
Variant type: single nucleotide variant.
Coding change: c.1759G>A on transcript NM_205836.3 (MANE Select); coding-DNA position 1759, G replaced by A.
Protein change: p.Val587Ile; replaces valine 587 with isoleucine.
Molecular consequence: missense variant.
Genome position (GRCh38, 1-based): chr5:148,425,542, G>A. VCF-style: chr5-148425542-G-A. GRCh37 (hg19) VCF-style: chr5-147805105-G-A.
Other names: c.1759G>A, p.Val587Ile (NM_001271723.2, NM_030793.5); short protein forms V587I.
Identifiers: ClinVar variation 572167 (VCV000572167.12), dbSNP rs553996394, ClinGen allele CA3497379.

ClinVar aggregate classification (germline): Uncertain significance (1 of 4 stars; one submission).

Conditions:
Distal hereditary motor neuropathy type 2. Identifiers: Orphanet 139525, MedGen C3711384, MeSH C580044, MONDO:0015352.

Allele frequency attached by ClinVar (database versions not stated): gnomAD 0.00003 and 0.00002; gnomAD exomes 0.00001 and below 0.00001; TOPMed 0.00001; ExAC 0.00001; 1000 Genomes Project 30x 0.00016; 1000 Genomes Project 0.00020.
gnomAD v4.1: 13 of 1,613,524 alleles (0.00081%); highest among the groups gnomAD compares: African/African-American, 0.0067%; no homozygotes.

Submission:

Labcorp Genetics (formerly Invitae), Labcorp
Classification: Uncertain significance for Distal hereditary motor neuropathy type 2. Last evaluated: 2022-12-31. Review status: criteria provided, single submitter. Criteria: Invitae Variant Classification Sherloc (09022015). Collection method: clinical testing. Allele origin: germline.
Comment: In summary, the available evidence is currently insufficient to determine the role of this variant in disease. Therefore, it has been classified as a Variant of Uncertain Significance. Advanced modeling of protein sequence and biophysical properties (such as structural, functional, and spatial information, amino acid conservation, physicochemical variation, residue mobility, and thermodynamic stability) performed at Invitae indicates that this missense variant is not expected to disrupt FBXO38 protein function. ClinVar contains an entry for this variant (Variation ID: 572167). This variant has not been reported in the literature in individuals affected with FBXO38-related conditions. This variant is present in population databases (rs553996394, gnomAD 0.008%). This sequence change replaces valine, which is neutral and non-polar, with isoleucine, which is neutral and non-polar, at codon 587 of the FBXO38 protein (p.Val587Ile).